The following is an entry in ClinVar:

ClinVar aggregate classification (germline): Likely benign (1 of 4 stars; one submission).

Conditions:
KMT2D-related disorder. Also called: KMT2D-Related Disorders.

gnomAD v4.1: 21 of 1,611,328 alleles (0.0013%); highest among the groups gnomAD compares: Non-Finnish European, 0.0018%; no homozygotes.

Submission:

PreventionGenetics, part of Exact Sciences
Classification: Likely benign for KMT2D-related condition. Last evaluated: 2026-02-11. Review status: criteria provided, single submitter. Criteria: ACMG Guidelines, 2015. Collection method: clinical testing. Allele origin: germline.
Comment: This variant is classified as likely benign based on ACMG/AMP sequence variant interpretation guidelines (Richards et al. 2015 PMID: 25741868, with internal and published modifications).

NM_003482.4(KMT2D):c.3297G>T (p.Gly1099=)

Gene: KMT2D (lysine methyltransferase 2D; minus strand). Cytogenetic location: 12q13.12.
Variant type: single nucleotide variant.
Coding change: c.3297G>T on transcript NM_003482.4 (MANE Select); coding-DNA position 3297, G replaced by T.
Protein change: p.Gly1099=; no amino-acid change (glycine 1099 retained).
Molecular consequence: synonymous variant.
Genome position (GRCh38, 1-based): chr12:49,050,291, C>A on the plus strand (G>T on the coding strand, the complement: KMT2D is on the minus strand). VCF-style: chr12-49050291-C-A. GRCh37 (hg19) VCF-style: chr12-49444074-C-A.
Identifiers: ClinVar variation 4990889 (VCV004990889.1).
Genomic context (GRCh38, chr12:49,050,291, plus strand): 5'-CCCTAGGCCAGAGAAGTCATCCAGGGCTGGGGCAGGGCTGGGGGCGGGGCAGGAAAGGTC[C>A]CCCATTGGGGAAGGGAGAGGACTGGTGGCACTGGGTTCCAAGGCTGGGCATTCAGGTTCT-3'
Protein context (NP_003473.3, residues 1089-1109): SATSPLPSPM[Gly1099=]DLSCPAPSPA